The following is an entry in ClinVar:

ClinVar aggregate classification (germline): Pathogenic (1 of 4 stars; one submission).

Conditions:
Autosomal recessive nonsyndromic hearing loss 25. Identifiers: Orphanet 90636, MedGen C1414017, MONDO:0013210, OMIM 613285.

Submission:

Cellular and Molecular Research Center, Cellular and Molecular Medicine Research Institute,, Urmia University of Medical Sciences
Classification: Pathogenic for Autosomal recessive nonsyndromic hearing loss 25. Last evaluated: 2026-10-14. Review status: criteria provided, single submitter. Criteria: ACMG Guidelines, 2015. Collection method: clinical testing. Allele origin: germline. Inheritance: Autosomal recessive inheritance. Affected: yes. Observed: 1 variant allele, 1 homozygote.
Comment: Molecular characterization of c.710_711del: This variant represents a deletion of two consecutive nucleotides, cytosine and guanine (CG), at coding DNA positions 710 and 711. Because the deletion involves two nucleotides rather than a multiple of three, it is predicted to cause a frameshift mutation. This may alter the downstream amino acid sequence, introduce a premature termination codon, and result in a truncated protein or degradation of the abnormal transcript through nonsense-mediated mRNA decay (NMD).The pathogenic mechanism of GRXCR1 deficiency has been investigated through genetic segregation analysis, cDNA studies, and animal models. In Grxcr1-deficient pirouette mice, researchers observed abnormally thin and shortened stereocilia, supporting the importance of this protein in inner-ear hair-cell development. Human splice-site variants were also shown by cDNA analysis to cause abnormal splicing and frameshifts.

Literature cited by the submitters: DOI 10.1016/j.ajhg.2010.01.016.

NM_001080476.3(GRXCR1):c.710_711del (p.His237fs)

Gene: GRXCR1 (glutaredoxin and cysteine rich domain containing 1; plus strand). Cytogenetic location: 4p13.
Variant type: Deletion.
Coding change: c.710_711del on transcript NM_001080476.3 (MANE Select); coding-DNA positions 710 to 711, 2 bases deleted (AT; older notation c.710_711delAT).
Protein change: p.His237fs; shifts the reading frame from histidine 237.
Molecular consequence: frameshift variant.
Genome position (GRCh38, 1-based): chr4:43,030,377-43,030,378, AT deleted. VCF-style (leftmost placement, unchanged base first): chr4-43030376-CAT-C. GRCh37 (hg19) VCF-style: chr4-43032393-CAT-C.
Other names: short protein forms H237fs.
Identifiers: ClinVar variation 5041971 (VCV005041971.1).
Genomic context (GRCh38, chr4:43,030,376, plus strand): 5'-TAACACATCCTCTGTTTTCTCTTGTTCCCCTGCCACCTTATACAGAGAGTACAGCATCCA[CAT>C]GAGTGTCCCTCTTGTGGAGGCTTTGGCTTTCTTCCATGCTCCGTGTGCCATGGGAGCAAG-3'